The following is an entry in ClinVar:

NM_024675.4(PALB2):c.2855A>G (p.Asp952Gly)

Gene: PALB2 (partner and localizer of BRCA2; minus strand). Cytogenetic location: 16p12.2.
Variant type: single nucleotide variant.
Coding change: c.2855A>G on transcript NM_024675.4 (MANE Select); coding-DNA position 2855, A replaced by G.
Protein change: p.Asp952Gly; replaces aspartic acid 952 with glycine.
Molecular consequence: missense variant. On other transcripts: intron variant (1).
Genome position (GRCh38, 1-based): chr16:23,623,110, T>C on the plus strand (A>G on the coding strand, the complement: PALB2 is on the minus strand). VCF-style: chr16-23623110-T-C. GRCh37 (hg19) VCF-style: chr16-23634431-T-C.
Other names: c.2795A>G, p.Asp932Gly (NM_001407296.1); c.2783A>G, p.Asp928Gly (NM_001407297.1); c.2693A>G, p.Asp898Gly (NM_001407298.1, NM_001407302.1); c.2855A>G, p.Asp952Gly (NM_001407299.1, NM_001407301.1); c.1970A>G, p.Asp657Gly (NM_001407304.1, NM_001407305.1, NM_001407306.1 and 4 more transcripts); c.1808A>G, p.Asp603Gly (NM_001407307.1); c.1067A>G, p.Asp356Gly (NM_001407312.1, NM_001407313.1); c.389A>G, p.Asp130Gly (NM_001407314.1); and 1 more; short protein forms D130G, D356G, D603G, D657G, D898G, D928G, D932G, D952G.
Identifiers: ClinVar variation 3228022 (VCV003228022.1), dbSNP rs373280855, ClinGen allele CA395144469.

ClinVar aggregate classification (germline): Uncertain significance (1 of 4 stars; one submission).

Conditions:
Hereditary cancer-predisposing syndrome. Also called: Neoplastic Syndromes, Hereditary; Tumor predisposition; Hereditary neoplastic syndrome; Hereditary Cancer Syndrome. Identifiers: Orphanet 140162, MedGen C0027672, MeSH D009386, MONDO:0015356.

Submission:

Ambry Genetics
Classification: Uncertain significance for Hereditary cancer-predisposing syndrome. Last evaluated: 2023-10-08. Review status: criteria provided, single submitter. Criteria: Ambry Variant Classification Scheme 2023. Collection method: clinical testing. Allele origin: germline.
Comment: The p.D952G variant (also known as c.2855A>G), located in coding exon 9 of the PALB2 gene, results from an A to G substitution at nucleotide position 2855. The aspartic acid at codon 952 is replaced by glycine, an amino acid with similar properties. This amino acid position is conserved. In addition, this alteration is predicted to be tolerated by in silico analysis. Since supporting evidence is limited at this time, the clinical significance of this alteration remains unclear.